The following is an entry in ClinVar:

ClinVar aggregate classification (germline): Uncertain significance. Review status: criteria provided, multiple submitters, no conflicts (2 of 4 stars). 3 submissions from 3 submitters: Uncertain significance (3). Last evaluated 2025-08-27.

Conditions:
Inborn genetic diseases. Identifiers: MedGen C0950123, MeSH D030342.
Leber congenital amaurosis 3 (LCA3). Also called: SPATA7-Related Retinitis Pigmentosa. Identifiers: MedGen C1858677, MONDO:0011415, OMIM 604232.

Allele frequency attached by ClinVar (database versions not stated): gnomAD 0.00001; gnomAD exomes 0.00002 and 0.00005; TOPMed 0.00002; ExAC 0.00003.

Submissions (3):

Ambry Genetics
Classification: Uncertain significance for Inborn genetic diseases. Last evaluated: 2025-08-27. Review status: criteria provided, single submitter. Criteria: Ambry Variant Classification Scheme 2023. Collection method: clinical testing. Allele origin: germline.

Blueprint Genetics
Classification: Uncertain significance. Last evaluated: 2023-11-10. Review status: criteria provided, single submitter. Criteria: ACMG Guidelines, 2015. Collection method: clinical testing. Allele origin: germline.

Labcorp Genetics (formerly Invitae), Labcorp
Classification: Uncertain significance for Leber congenital amaurosis 3. Last evaluated: 2022-11-01. Review status: criteria provided, single submitter. Criteria: Invitae Variant Classification Sherloc (09022015). Collection method: clinical testing. Allele origin: germline.
Comment: In summary, the available evidence is currently insufficient to determine the role of this variant in disease. Therefore, it has been classified as a Variant of Uncertain Significance. This sequence change replaces proline, which is neutral and non-polar, with serine, which is neutral and polar, at codon 261 of the SPATA7 protein (p.Pro261Ser). This variant is present in population databases (rs771350966, gnomAD 0.007%). This variant has not been reported in the literature in individuals affected with SPATA7-related conditions. ClinVar contains an entry for this variant (Variation ID: 854626). Advanced modeling of protein sequence and biophysical properties (such as structural, functional, and spatial information, amino acid conservation, physicochemical variation, residue mobility, and thermodynamic stability) performed at Invitae indicates that this missense variant is expected to disrupt SPATA7 protein function.

NM_018418.5(SPATA7):c.781C>T (p.Pro261Ser)

Gene: SPATA7 (spermatogenesis associated 7; plus strand). Cytogenetic location: 14q31.3.
Variant type: single nucleotide variant.
Coding change: c.781C>T on transcript NM_018418.5 (MANE Select); coding-DNA position 781, C replaced by T.
Protein change: p.Pro261Ser; replaces proline 261 with serine.
Molecular consequence: missense variant.
Genome position (GRCh38, 1-based): chr14:88,426,640, C>T. VCF-style: chr14-88426640-C-T. GRCh37 (hg19) VCF-style: chr14-88892984-C-T.
Other names: c.685C>T, p.Pro229Ser (NM_001040428.4); short protein forms P229S, P261S.
Identifiers: ClinVar variation 854626 (VCV000854626.12), dbSNP rs771350966, ClinGen allele CA7298594.
Genomic context (GRCh38, chr14:88,426,640, plus strand): 5'-ACTCCTCGCACTTTAAAAACAGAAGCAAAATCTTTCCTGTCACAGTATCGCTATTATACA[C>T]CTGCCAAAAGAAAAAAGGATTTTACAGATCAACGGATAGAAGCTGAAACCCAGACTGAAT-3'
Protein context (NP_060888.2, residues 251-271): SFLSQYRYYT[Pro261Ser]AKRKKDFTDQ